The following is an entry in ClinVar:

NM_000539.3(RHO):c.152G>C (p.Gly51Ala)

Gene: RHO (rhodopsin; plus strand). Cytogenetic location: 3q22.1.
Variant type: single nucleotide variant.
Coding change: c.152G>C on transcript NM_000539.3 (MANE Select); coding-DNA position 152, G replaced by C.
Protein change: p.Gly51Ala; replaces glycine 51 with alanine.
Molecular consequence: missense variant.
Genome position (GRCh38, 1-based): chr3:129,528,885, G>C. VCF-style: chr3-129528885-G-C. GRCh37 (hg19) VCF-style: chr3-129247728-G-C.
Other names: short protein forms G51A.
Identifiers: ClinVar variation 343274 (VCV000343274.18), dbSNP rs149079952, ClinGen allele CA2607070.

ClinVar aggregate classification (germline): Benign/Likely benign. Review status: criteria provided, multiple submitters, no conflicts (2 of 4 stars). 6 submissions from 5 submitters: Benign (2); Likely benign (4). Last evaluated 2026-03-04.

Conditions:
Retinitis pigmentosa (RP). Identifiers: Orphanet 791, MedGen C0035334, MeSH D012174, MONDO:0019200, OMIM 268000. Inheritance: Autosomal dominant, autosomal recessive and X linked inheritance.
RHO-related disorder. Also called: RHO-related condition.
Congenital stationary night blindness autosomal dominant 1. Also called: NIGHT BLINDNESS, CONGENITAL STATIONARY, RHODOPSIN-RELATED. Identifiers: Orphanet 215, MedGen C1864869, MONDO:0012498, OMIM 610445.

Allele frequency attached by ClinVar (database versions not stated): gnomAD exomes 0.00032 and 0.00080; ExAC 0.00110; ESP Exome Variant Server 0.00246; gnomAD 0.00296; TOPMed 0.00300; 1000 Genomes Project 0.00459; 1000 Genomes Project 30x 0.00515.
gnomAD v4.1: 941 of 1,614,228 alleles (0.058%); highest among the groups gnomAD compares: African/African-American, 0.99%; 6 homozygotes.

Submissions (6):

PreventionGenetics, part of Exact Sciences
Classification: Likely benign for RHO-related condition. Last evaluated: 2026-03-04. Review status: criteria provided, single submitter. Criteria: ACMG Guidelines, 2015. Collection method: clinical testing. Allele origin: germline.
Comment: This variant is classified as likely benign based on ACMG/AMP sequence variant interpretation guidelines (Richards et al. 2015 PMID: 25741868, with internal and published modifications).

Labcorp Genetics (formerly Invitae), Labcorp
Classification: Benign. Last evaluated: 2026-02-01. Review status: criteria provided, single submitter. Criteria: Invitae Variant Classification Sherloc (09022015). Collection method: clinical testing. Allele origin: germline.

Blueprint Genetics
Classification: Likely benign. Last evaluated: 2024-11-20. Review status: criteria provided, single submitter. Criteria: ACMG Guidelines, 2015. Collection method: clinical testing. Allele origin: germline.

GeneDx
Classification: Benign. Last evaluated: 2020-11-10. Review status: criteria provided, single submitter. Criteria: GeneDx Variant Classification Process June 2021. Collection method: clinical testing. Allele origin: germline. Affected: yes.
Comment: This variant is associated with the following publications: (PMID: 32882181, 19941415, 21352497, 12660238, 9380676, 9618546, 30977563, 8317502, 21094163, 22995991)

Illumina Laboratory Services, Illumina
Classification: Likely benign for Retinitis pigmentosa. Last evaluated: 2017-04-28. Review status: criteria provided, single submitter. Criteria: ICSL Variant Classification Criteria 13 December 2019. Collection method: clinical testing. Allele origin: germline.
Comment: This variant was observed as part of a predisposition screen in an ostensibly healthy population. A literature search was performed for the gene, cDNA change, and amino acid change (where applicable). Publications were found based on this search. The evidence from the literature, in combination with allele frequency data from public databases where available, was sufficient to determine this variant is unlikely to cause disease. Therefore, this variant is classified as likely benign.

Illumina Laboratory Services, Illumina
Classification: Likely benign for Congenital stationary night blindness autosomal dominant 1. Last evaluated: 2017-04-28. Review status: criteria provided, single submitter. Criteria: ICSL Variant Classification Criteria 13 December 2019. Collection method: clinical testing. Allele origin: germline.
Comment: This variant was observed as part of a predisposition screen in an ostensibly healthy population. A literature search was performed for the gene, cDNA change, and amino acid change (where applicable). No publications were found based on this search. Allele frequency data from public databases allowed determination this variant is unlikely to cause disease. Therefore, this variant is classified as likely benign.

Literature cited by the submitters: PubMed 22995991 (cited by Illumina Laboratory Services, Illumina); PubMed 9380676 (cited by Illumina Laboratory Services, Illumina); PubMed 21094163 (cited by Illumina Laboratory Services, Illumina); PubMed 9618546 (cited by Illumina Laboratory Services, Illumina); PubMed 8317502 (cited by Illumina Laboratory Services, Illumina).